The following is an entry in ClinVar:

ClinVar aggregate classification (germline): Uncertain significance (1 of 4 stars; one submission).

gnomAD v4.1: 1 of 1,613,698 alleles (0.000062%); highest among the groups gnomAD compares: Non-Finnish European, 0.000085%; no homozygotes.

Submission:

Labcorp Genetics (formerly Invitae), Labcorp
Classification: Uncertain significance. Last evaluated: 2025-12-11. Review status: criteria provided, single submitter. Criteria: Invitae Variant Classification Sherloc (09022015). Collection method: clinical testing. Allele origin: germline.
Comment: This sequence change replaces tryptophan, which is neutral and slightly polar, with arginine, which is basic and polar, at codon 1440 of the SAMD9 protein (p.Trp1440Arg). This variant is present in population databases (no rsID available, gnomAD 0.007%). This variant has not been reported in the literature in individuals affected with SAMD9-related conditions. Invitae Evidence Modeling of protein sequence and biophysical properties (such as structural, functional, and spatial information, amino acid conservation, physicochemical variation, residue mobility, and thermodynamic stability) has been performed for this missense variant. However, the output from this modeling did not meet the statistical confidence thresholds required to predict the impact of this variant on SAMD9 protein function. In summary, the available evidence is currently insufficient to determine the role of this variant in disease. Therefore, it has been classified as a Variant of Uncertain Significance.

NM_017654.4(SAMD9):c.4318T>C (p.Trp1440Arg)

Gene: SAMD9 (sterile alpha motif domain containing 9; minus strand). Cytogenetic location: 7q21.2.
Variant type: single nucleotide variant.
Coding change: c.4318T>C on transcript NM_017654.4 (MANE Select); coding-DNA position 4318, T replaced by C.
Protein change: p.Trp1440Arg; replaces tryptophan 1440 with arginine.
Molecular consequence: missense variant.
Genome position (GRCh38, 1-based): chr7:93,101,780, A>G on the plus strand (T>C on the coding strand, the complement: SAMD9 is on the minus strand). VCF-style: chr7-93101780-A-G. GRCh37 (hg19) VCF-style: chr7-92731093-A-G.
Other names: c.4318T>C, p.Trp1440Arg (NM_001193307.2); short protein forms W1440R.
Identifiers: ClinVar variation 4809177 (VCV004809177.1).